The following is an entry in ClinVar:

ClinVar aggregate classification (germline): Likely benign. Review status: criteria provided, single submitter (1 of 4 stars). 2 submissions from 2 submitters: Likely benign (1). 1 of the submissions does not count toward it. Last evaluated 2024-07-19.

Conditions:
RAI1-related disorder. Also called: RAI1-related condition.

Allele frequency attached by ClinVar (database versions not stated): gnomAD exomes below 0.00001 and 0.00001; gnomAD 0.00001; ExAC 0.00002; 1000 Genomes Project 30x 0.00031; 1000 Genomes Project 0.00040.
gnomAD v4.1: 6 of 1,613,514 alleles (0.00037%); highest among the groups gnomAD compares: African/African-American, 0.0067%; no homozygotes.

Submissions (2):

Labcorp Genetics (formerly Invitae), Labcorp
Classification: Likely benign. Last evaluated: 2024-07-19. Review status: criteria provided, single submitter. Criteria: Invitae Variant Classification Sherloc (09022015). Collection method: clinical testing. Allele origin: germline.

PreventionGenetics, part of Exact Sciences
Classification: Likely benign for RAI1-related condition. Last evaluated: 2020-09-23. Review status: no assertion criteria provided. Collection method: clinical testing. Allele origin: germline. Not counted in ClinVar's aggregate classification.
Comment: This variant is classified as likely benign based on ACMG/AMP sequence variant interpretation guidelines (Richards et al. 2015 PMID: 25741868, with internal and published modifications).

NM_030665.4(RAI1):c.666C>T (p.Tyr222=)

Gene: RAI1 (retinoic acid induced 1; plus strand). Cytogenetic location: 17p11.2.
Variant type: single nucleotide variant.
Coding change: c.666C>T on transcript NM_030665.4 (MANE Select); coding-DNA position 666, C replaced by T.
Protein change: p.Tyr222=; no amino-acid change (tyrosine 222 retained).
Molecular consequence: synonymous variant.
Genome position (GRCh38, 1-based): chr17:17,793,614, C>T. VCF-style: chr17-17793614-C-T. GRCh37 (hg19) VCF-style: chr17-17696928-C-T.
Other names: c.666C>T (NM_030665.3).
Identifiers: ClinVar variation 1624153 (VCV001624153.11), dbSNP rs532780553, ClinGen allele CA8418167.